The following is an entry in ClinVar:

NM_000443.4(ABCB4):c.3724dup (p.Ile1242fs)

Gene: ABCB4 (ATP binding cassette subfamily B member 4; minus strand). Cytogenetic location: 7q21.12.
Variant type: Duplication.
Coding change: c.3724dup on transcript NM_000443.4 (MANE Select); coding-DNA position 3724, one base duplicated (A; older notation c.3724dupA).
Protein change: p.Ile1242fs; shifts the reading frame from isoleucine 1242.
Molecular consequence: frameshift variant.
Genome position (GRCh38, 1-based): chr7:87,402,212, T duplicated on the plus strand (A on the coding strand, the reverse complement: ABCB4 is on the minus strand); the first of 2 consecutive T bases (chr7:87,402,212-87,402,213); duplicating either gives the same sequence. VCF-style (leftmost placement, unchanged base first): chr7-87402211-A-AT. GRCh37 (hg19) VCF-style: chr7-87031527-A-AT.
Other names: c.3745dup, p.Ile1249fs (NM_018849.3); c.3583dup, p.Ile1195fs (NM_018850.3); short protein forms I1249fs, I1195fs, I1242fs.
Identifiers: ClinVar variation 594504 (VCV000594504.8), dbSNP rs1562945221, ClinGen allele CA913189682.

ClinVar aggregate classification (germline): Pathogenic/Likely pathogenic. Review status: criteria provided, multiple submitters, no conflicts (2 of 4 stars). 3 submissions from 3 submitters: Pathogenic (1); Likely pathogenic (2). Last evaluated 2026-04-04.

Conditions:
Progressive familial intrahepatic cholestasis type 1. Also called: Byler's disease; BYLER DISEASE; Severe ATP8B1 Deficiency (Progressive Familial Intrahepatic Cholestasis Type 1 [PFIC1]). Identifiers: Orphanet 79306, MedGen C4551898, MONDO:0008892, OMIM 211600.

Submissions (3):

Dasa
Classification: Likely pathogenic. Last evaluated: 2026-04-04. Review status: criteria provided, single submitter. Criteria: DASA Assertion Criteria. Collection method: clinical testing. Allele origin: germline.
Comment: NM_000443.4(ABCB4):c.3724dup (p.Ile1242Asnfs*47) is a frameshift variant in ABCB4 predicted to alter the reading frame and introduce a premature termination codon and is predicted to result in an absent or altered protein product. Loss of function is an established disease mechanism for ABCB4 (PMID: 21989363; PMID: 23684896; PMID: 25544413). This variant has been reported in individuals with ABCB4-related disorders (PMID: 33258288). Functional evidence supports an impact on the gene or gene product (PMID: 26153658; PMID: 33258288). Also, this variant is absent from population databases. Based on the currently available evidence, this variant is classified as likely pathogenic.

Mendelics
Classification: Pathogenic for Progressive familial intrahepatic cholestasis type 1. Last evaluated: 2019-05-28. Review status: criteria provided, single submitter. Criteria: Mendelics Assertion Criteria 2017. Collection method: clinical testing. Allele origin: unknown.

Eurofins Ntd Llc (ga)
Classification: Likely pathogenic. Last evaluated: 2017-10-18. Review status: criteria provided, single submitter. Criteria: EGL Classification Definitions 2015. Collection method: clinical testing. Allele origin: germline. Observed: 1 variant allele, 1 homozygote.

Literature cited by the submitters: PubMed 26153658 (cited by Dasa); PubMed 33258288 (cited by Dasa); PubMed 21989363 (cited by Dasa); PubMed 23684896 (cited by Dasa); PubMed 25544413 (cited by Dasa).